The following is an entry in ClinVar:

ClinVar aggregate classification (germline): Likely benign (0 of 4 stars; one submission).

Conditions:
CFAP47-related disorder. Also called: CFAP47-related condition.

Allele frequency attached by ClinVar (database versions not stated): TOPMed 0.00012; gnomAD 0.00014; ExAC 0.00023; gnomAD exomes 0.00042; 1000 Genomes Project 30x 0.00083; 1000 Genomes Project 0.00106.
gnomAD v4.1: 462 of 1,208,317 alleles (0.038%); highest among the groups gnomAD compares: East Asian, 0.85%; 2 homozygotes.

Submission:

PreventionGenetics, part of Exact Sciences
Classification: Likely benign for CFAP47-related condition. Last evaluated: 2023-05-16. Review status: no assertion criteria provided. Collection method: clinical testing. Allele origin: germline.
Comment: This variant is classified as likely benign based on ACMG/AMP sequence variant interpretation guidelines (Richards et al. 2015 PMID: 25741868, with internal and published modifications).

NM_001304548.2(CFAP47):c.2609G>A (p.Arg870Gln)

Gene: CFAP47 (cilia and flagella associated protein 47; plus strand). Cytogenetic location: Xp21.1.
Variant type: single nucleotide variant.
Coding change: c.2609G>A on transcript NM_001304548.2 (MANE Select); coding-DNA position 2609, G replaced by A.
Protein change: p.Arg870Gln; replaces arginine 870 with glutamine.
Molecular consequence: missense variant.
Genome position (GRCh38, 1-based): chrX:35,975,809, G>A. VCF-style: chrX-35975809-G-A. GRCh37 (hg19) VCF-style: chrX-35993926-G-A.
Other names: c.2609G>A, p.Arg870Gln (NM_152632.4); short protein forms R870Q.
Identifiers: ClinVar variation 3055232 (VCV003055232.2), dbSNP rs142417700, ClinGen allele CA10381862.